The following is an entry in ClinVar:

NM_003797.5(EED):c.1199+8_1199+11del

Gene: EED (embryonic ectoderm development; plus strand). Cytogenetic location: 11q14.2.
Variant type: Deletion.
Coding change: c.1199+8_1199+11del on transcript NM_003797.5 (MANE Select); bases 8 to 11 of the intron after coding-DNA position 1199, 4 bases deleted (TTTA; older notation c.1199+8_1199+11delTTTA).
Molecular consequence: intron variant.
Genome position (GRCh38, 1-based): chr11:86,277,999-86,278,002, TTTA deleted; deleting any 4 consecutive bases within chr11:86,277,997-86,278,002 gives the same sequence; the c. name uses the placement nearest the transcript's 3' end. VCF-style (leftmost placement, unchanged base first): chr11-86277996-GTATT-G. GRCh37 (hg19) VCF-style: chr11-85989038-GTATT-G.
Other names: c.1199+8_1199+11del (NM_003797.4); c.1274+8_1274+11del (NM_001308007.2); c.959+8_959+11del (NM_001330334.2).
Identifiers: ClinVar variation 772140 (VCV000772140.35), dbSNP rs372689705, ClinGen allele CA6216584.

ClinVar aggregate classification (germline): Benign/Likely benign. Review status: criteria provided, multiple submitters, no conflicts (2 of 4 stars). 4 submissions from 4 submitters: Benign (2); Likely benign (1). 1 of the submissions does not count toward it. Last evaluated 2025-12-26.

Conditions:
EED-related disorder. Also called: EED-related condition.
Cohen-Gibson syndrome (COGIS). Also called: EED-Related Overgrowth. Identifiers: Orphanet 659396, MedGen C4479654, MONDO:0060510, OMIM 617561.

Submissions (4):

Labcorp Genetics (formerly Invitae), Labcorp
Classification: Benign for Cohen-Gibson syndrome. Last evaluated: 2025-12-26. Review status: criteria provided, single submitter. Criteria: Invitae Variant Classification Sherloc (09022015). Collection method: clinical testing. Allele origin: germline.

Blueprint Genetics
Classification: Likely benign. Last evaluated: 2024-11-06. Review status: criteria provided, single submitter. Criteria: ACMG Guidelines, 2015. Collection method: clinical testing. Allele origin: germline.

CeGaT Center for Human Genetics Tuebingen
Classification: Benign. Last evaluated: 2023-01-01. Review status: criteria provided, single submitter. Criteria: CeGaT Center For Human Genetics Tuebingen Variant Classification Criteria Version 2. Collection method: clinical testing. Allele origin: germline. Affected: yes. Observed: 2 variant alleles.
Comment: EED: BS1, BS2

PreventionGenetics, part of Exact Sciences
Classification: Benign for EED-related condition. Last evaluated: 2024-05-30. Review status: no assertion criteria provided. Collection method: clinical testing. Allele origin: germline. Not counted in ClinVar's aggregate classification.
Comment: This variant is classified as benign based on ACMG/AMP sequence variant interpretation guidelines (Richards et al. 2015 PMID: 25741868, with internal and published modifications).